The following is an entry in ClinVar:

ClinVar aggregate classification (germline): Uncertain significance. Review status: criteria provided, multiple submitters, no conflicts (2 of 4 stars). 3 submissions from 3 submitters: Uncertain significance (3). Last evaluated 2022-10-28.

Conditions:
Inborn genetic diseases. Identifiers: MedGen C0950123, MeSH D030342.
COG1 congenital disorder of glycosylation (CDG2G). Also called: CONGENITAL DISORDER OF GLYCOSYLATION, TYPE IIg; CDG IIg; CDGII/COG1 CEREBROCOSTOMANDIBULAR-LIKE SYNDROME. Identifiers: Orphanet 263508, MedGen C2931011, MONDO:0012637, OMIM 611209.

Submissions (3):

Ambry Genetics
Classification: Uncertain significance for Inborn genetic diseases. Last evaluated: 2022-10-28. Review status: criteria provided, single submitter. Criteria: Ambry Variant Classification Scheme 2023. Collection method: clinical testing. Allele origin: germline.
Comment: The c.2024_2026delTCC (p.L675del) alteration is located in exon 7 (coding exon 7) of the COG1 gene. This alteration consists of an in-frame deletion of 3 nucleotides between nucleotide positions c.2024 and c.2026, resulting in the deletion of 1 residue. Based on insufficient or conflicting evidence, the clinical significance of this alteration remains unclear.

Labcorp Genetics (formerly Invitae), Labcorp
Classification: Uncertain significance for COG1 congenital disorder of glycosylation. Last evaluated: 2022-08-09. Review status: criteria provided, single submitter. Criteria: Invitae Variant Classification Sherloc (09022015). Collection method: clinical testing. Allele origin: germline.
Comment: This variant, c.2024_2026del, results in the deletion of 1 amino acid(s) of the COG1 protein (p.Leu675del), but otherwise preserves the integrity of the reading frame. This variant is present in population databases (rs552694959, gnomAD 0.1%). This variant has not been reported in the literature in individuals affected with COG1-related conditions. ClinVar contains an entry for this variant (Variation ID: 95915). In summary, the available evidence is currently insufficient to determine the role of this variant in disease. Therefore, it has been classified as a Variant of Uncertain Significance.

Eurofins Ntd Llc (ga)
Classification: Uncertain significance. Last evaluated: 2013-08-01. Review status: criteria provided, single submitter. Criteria: EGL Classification Definitions 2015. Collection method: clinical testing. Allele origin: germline. Observed: 1 variant allele, 1 heterozygote.

NM_018714.3(COG1):c.2021TCC[1] (p.Leu675del)

Gene: COG1 (component of oligomeric golgi complex 1; plus strand). Cytogenetic location: 17q25.1.
Variant type: Microsatellite.
Coding change: c.2021TCC[1] on transcript NM_018714.3 (MANE Select); one copy of the 3-base unit TCC starting at c.2021; the reference has two copies in a row; one copy, 3 bases deleted.
Protein change: p.Leu675del; deletes leucine 675.
Molecular consequence: inframe deletion.
Genome position (GRCh38, 1-based): chr17:73,201,851-73,201,853, TCC deleted; deleting any 3 consecutive bases within chr17:73,201,847-73,201,853 gives the same sequence; the position shown is the placement nearest the transcript's 3' end. VCF-style (leftmost placement, unchanged base first): chr17-73201846-ACTC-A. GRCh37 (hg19) VCF-style: chr17-71197985-ACTC-A.
Other names: short protein forms L675del.
Identifiers: ClinVar variation 95915 (VCV000095915.8), dbSNP rs398124346, ClinGen allele CA223538.